The following is an entry in ClinVar:

ClinVar aggregate classification (germline): Pathogenic (1 of 4 stars; one submission).

Conditions:
Neurofibromatosis, type 1 (NF1). Also called: NEUROFIBROMATOSIS, TYPE I, SOMATIC; Peripheral type neurofibromatosis; Neurofibromatosis, type I; VON RECKLINGHAUSEN DISEASE. Identifiers: Orphanet 636, MedGen C0027831, MONDO:0018975, OMIM 162200. Disease mechanism: loss of function.

Submission:

Labcorp Genetics (formerly Invitae), Labcorp
Classification: Pathogenic for Neurofibromatosis, type 1. Last evaluated: 2016-11-08. Review status: criteria provided, single submitter. Criteria: Invitae Variant Classification Sherloc (09022015). Collection method: clinical testing. Allele origin: germline.
Comment: This variant is a gross deletion of the genomic region encompassing exons 4-5 of the NF1 gene. This creates a premature translational stop signal and is expected to result in an absent or disrupted protein product. Loss-of-function variants in NF1 are known to be pathogenic. Similar deletions involving exons 4-5 of NF1 have been reported in the literature in individuals with neurofibromatosis type 1 (PMID: 26189818, ). For these reasons, this variant has been classified as Pathogenic.

NC_000017.11:g.(?_31163186)_(31169997_?)del

Gene: NF1 (neurofibromin 1; plus strand). Cytogenetic location: 17q11.2.
Variant type: Deletion.
Identifiers: ClinVar variation 417339 (VCV000417339.1).